The following is an entry in ClinVar:

NM_001267550.2(TTN):c.7567G>T (p.Glu2523Ter)

Gene: TTN (titin; minus strand). Cytogenetic location: 2q31.2.
Variant type: single nucleotide variant.
Coding change: c.7567G>T on transcript NM_001267550.2 (MANE Select); coding-DNA position 7567, G replaced by T.
Protein change: p.Glu2523Ter; replaces glutamic acid 2523 with a stop codon.
Molecular consequence: nonsense.
Genome position (GRCh38, 1-based): chr2:178,773,489, C>A on the plus strand (G>T on the coding strand, the complement: TTN is on the minus strand). VCF-style: chr2-178773489-C-A. GRCh37 (hg19) VCF-style: chr2-179638216-C-A.
Other names: c.7567G>T, p.Glu2523Ter (NM_001256850.1, NM_133378.4, NM_133379.5); c.7429G>T, p.Glu2477Ter (NM_003319.4, NM_133432.3, NM_133437.4); short protein forms E2477*, E2523*.
Identifiers: ClinVar variation 3757552 (VCV003757552.2).

ClinVar aggregate classification (germline): Likely pathogenic (1 of 4 stars; one submission).

Conditions:
Dilated cardiomyopathy 1G (CMD1G). Identifiers: Orphanet 154, MedGen C1858763, MONDO:0011400, OMIM 604145.
Autosomal recessive limb-girdle muscular dystrophy type 2J (LGMDR10). Also called: Limb-girdle muscular dystrophy, type 2J; MUSCULAR DYSTROPHY, LIMB-GIRDLE, AUTOSOMAL RECESSIVE 10. Identifiers: Orphanet 140922, MedGen C1837342, MONDO:0012127, OMIM 608807.

Submission:

Labcorp Genetics (formerly Invitae), Labcorp
Classification: Likely pathogenic for Dilated cardiomyopathy 1G; Autosomal recessive limb-girdle muscular dystrophy type 2J. Last evaluated: 2024-08-06. Review status: criteria provided, single submitter. Criteria: Invitae Variant Classification Sherloc (09022015). Collection method: clinical testing. Allele origin: germline.
Comment: This sequence change creates a premature translational stop signal (p.Glu2523*) in the TTN gene. While this is not anticipated to result in nonsense mediated decay, it is expected to create a truncated TTN protein. This variant is not present in population databases (gnomAD no frequency). This variant has not been reported in the literature in individuals affected with TTN-related conditions. Algorithms developed to predict the effect of sequence changes on RNA splicing suggest that this variant may disrupt the consensus splice site. This variant is located in the I band of TTN (PMID: 25589632). Truncating variants in this region have been reported in individuals affected with autosomal recessive centronuclear myopathy (PMID: 23975875, Invitae internal data). Truncating variants in this region have also been identified in individuals affected with autosomal dominant dilated cardiomyopathy and/or cardio-related conditions (PMID: 27869827, 32964742, Invitae internal data). In summary, the currently available evidence indicates that the variant is pathogenic, but additional data are needed to prove that conclusively. Therefore, this variant has been classified as Likely Pathogenic.

Literature cited by the submitters: PubMed 25589632; PubMed 23975875; PubMed 27869827; PubMed 32964742.